The following is an entry in ClinVar:

NM_000426.4(LAMA2):c.2799A>G (p.Gln933=)

Gene: LAMA2 (laminin subunit alpha 2; plus strand). Cytogenetic location: 6q22.33.
Variant type: single nucleotide variant.
Coding change: c.2799A>G on transcript NM_000426.4 (MANE Select); coding-DNA position 2799, A replaced by G.
Protein change: p.Gln933=; no amino-acid change (glutamine 933 retained).
Molecular consequence: synonymous variant.
Genome position (GRCh38, 1-based): chr6:129,291,663, A>G. VCF-style: chr6-129291663-A-G. GRCh37 (hg19) VCF-style: chr6-129612808-A-G.
Other names: p.Gln933=; c.2799A>G, p.Gln933= (NM_001079823.2).
Identifiers: ClinVar variation 92949 (VCV000092949.31), dbSNP rs1027199, ClinGen allele CA146111.

ClinVar aggregate classification (germline): Benign. Review status: criteria provided, multiple submitters, no conflicts (2 of 4 stars). 15 submissions from 14 submitters: Benign (12). 3 of the submissions do not count toward it. Last evaluated 2026-02-04.

Conditions:
Muscular dystrophy, limb-girdle, autosomal recessive 23. Identifiers: Orphanet 565837, MedGen C4748327, MONDO:0029136, OMIM 618138.
LAMA2-related muscular dystrophy (LAMA2-RD). Also called: Laminin alpha 2-related dystrophy. Identifiers: MedGen C5679788, MONDO:0100228.
Congenital muscular dystrophy due to partial LAMA2 deficiency. Identifiers: MedGen C1842898.
Merosin deficient congenital muscular dystrophy (MDC1A). Also called: Congenital merosin-deficient muscular dystrophy 1A; Congenital Muscular Dystrophy Type 1A (MDC1A). Identifiers: Orphanet 258, MedGen C1263858, MONDO:0011925, OMIM 607855.

Allele frequency attached by ClinVar (database versions not stated): gnomAD exomes 0.24566 and 0.26974; ESP Exome Variant Server 0.25842; gnomAD 0.26612 and 0.26874; ExAC 0.26830; TOPMed 0.27023; 1000 Genomes Project 30x 0.30762; 1000 Genomes Project 0.31390.
gnomAD v4.1: 400,644 of 1,612,996 alleles (25%); highest among the groups gnomAD compares: East Asian, 48%; 52,290 homozygotes.

Submissions (15):

Labcorp Genetics (formerly Invitae), Labcorp
Classification: Benign for LAMA2-related muscular dystrophy. Last evaluated: 2026-02-04. Review status: criteria provided, single submitter. Criteria: Invitae Variant Classification Sherloc (09022015). Collection method: clinical testing. Allele origin: germline.

Women's Health and Genetics/Laboratory Corporation of America, LabCorp
Classification: Benign. Last evaluated: 2025-11-17. Review status: criteria provided, single submitter. Criteria: LabCorp Variant Classification Summary - May 2015. Collection method: clinical testing. Allele origin: germline.

Blueprint Genetics
Classification: Benign. Last evaluated: 2024-11-26. Review status: criteria provided, single submitter. Criteria: ACMG Guidelines, 2015. Collection method: clinical testing. Allele origin: germline.

Genome-Nilou Lab
Classification: Benign for Merosin deficient congenital muscular dystrophy. Last evaluated: 2021-08-19. Review status: criteria provided, single submitter. Criteria: ACMG Guidelines, 2015. Collection method: clinical testing. Allele origin: germline. Affected: no.

Genome-Nilou Lab
Classification: Benign for Muscular dystrophy, limb-girdle, autosomal recessive 23. Last evaluated: 2021-08-19. Review status: criteria provided, single submitter. Criteria: ACMG Guidelines, 2015. Collection method: clinical testing. Allele origin: germline. Affected: no.

Mayo Clinic Laboratories, Mayo Clinic
Classification: Benign. Last evaluated: 2018-03-12. Review status: criteria provided, single submitter. Criteria: ACMG Guidelines, 2015. Collection method: clinical testing. Allele origin: germline. Observed: 1,335 variant alleles.

Illumina Laboratory Services, Illumina
Classification: Benign for Congenital muscular dystrophy due to partial LAMA2 deficiency. Last evaluated: 2018-01-13. Review status: criteria provided, single submitter. Criteria: ICSL Variant Classification Criteria 13 December 2019. Collection method: clinical testing. Allele origin: germline.
Comment: This variant was observed in the ICSL laboratory as part of a predisposition screen in an ostensibly healthy population. It had not been previously curated by ICSL or reported in the Human Gene Mutation Database (HGMD: prior to June 1st, 2018), and was therefore a candidate for classification through an automated scoring system. Utilizing variant allele frequency, disease prevalence and penetrance estimates, and inheritance mode, an automated score was calculated to assess if this variant is too frequent to cause the disease. Based on the score and internal cut-off values, a variant classified as benign is not then subjected to further curation. The score for this variant resulted in a classification of benign for this disease.

Athena Diagnostics
Classification: Benign for Merosin deficient congenital muscular dystrophy. Last evaluated: 2017-04-13. Review status: criteria provided, single submitter. Criteria: Athena Diagnostics Criteria. Collection method: clinical testing. Allele origin: germline.

GeneDx
Classification: Benign. Last evaluated: 2016-01-05. Review status: criteria provided, single submitter. Criteria: GeneDx Variant Classification (06012015). Collection method: clinical testing. Allele origin: germline. Affected: yes.
Comment: This variant is considered likely benign or benign based on one or more of the following criteria: it is a conservative change, it occurs at a poorly conserved position in the protein, it is predicted to be benign by multiple in silico algorithms, and/or has population frequency not consistent with disease.

Genetic Services Laboratory, University of Chicago
Classification: Benign for AllHighlyPenetrant. Last evaluated: 2013-08-15. Review status: criteria provided, single submitter. Criteria: ACMG Guidelines, 2007. Collection method: clinical testing. Allele origin: germline. Inheritance: Autosomal recessive inheritance.

Eurofins Ntd Llc (ga)
Classification: Benign. Last evaluated: 2012-07-10. Review status: criteria provided, single submitter. Criteria: EGL Classification Definitions 2015. Collection method: clinical testing. Allele origin: germline. Observed: 33 variant alleles, 31 heterozygotes, 2 homozygotes.

PreventionGenetics, part of Exact Sciences
Classification: Benign. Review status: criteria provided, single submitter. Criteria: ACMG Guidelines, 2015. Collection method: clinical testing. Allele origin: germline.

Clinical Genetics, Academic Medical Center
Classification: Benign. Review status: no assertion criteria provided. Collection method: clinical testing. Allele origin: germline. Affected: yes. Study: VKGL Data-share Consensus. Not counted in ClinVar's aggregate classification.

Diagnostic Laboratory, Department of Genetics, University Medical Center Groningen
Classification: Benign for Merosin deficient congenital muscular dystrophy. Review status: no assertion criteria provided. Collection method: clinical testing. Allele origin: germline. Affected: yes. Study: VKGL Data-share Consensus. Not counted in ClinVar's aggregate classification.

Joint Genome Diagnostic Labs from Nijmegen and Maastricht, Radboudumc and MUMC+
Classification: Benign. Review status: no assertion criteria provided. Collection method: clinical testing. Allele origin: germline. Affected: yes. Study: VKGL Data-share Consensus. Not counted in ClinVar's aggregate classification.

Literature cited by the submitters: PubMed 12552556 (cited by Athena Diagnostics); PubMed 9541105 (cited by Athena Diagnostics); PubMed 9674786 (cited by Athena Diagnostics).